The following is an entry in ClinVar:

NM_000179.3(MSH6):c.1168G>A (p.Asp390Asn)

Gene: MSH6 (mutS homolog 6; plus strand). Cytogenetic location: 2p16.3.
Variant type: single nucleotide variant.
Coding change: c.1168G>A on transcript NM_000179.3 (MANE Select); coding-DNA position 1168, G replaced by A.
Protein change: p.Asp390Asn; replaces aspartic acid 390 with asparagine.
Molecular consequence: missense variant.
Genome position (GRCh38, 1-based): chr2:47,799,151, G>A. VCF-style: chr2-47799151-G-A. GRCh37 (hg19) VCF-style: chr2-48026290-G-A.
Other names: p.D390N:GAT>AAT; c.778G>A, p.Asp260Asn (NM_001281492.2); c.262G>A, p.Asp88Asn (NM_001281493.2, NM_001281494.2); short protein forms D390N, D260N, D88N.
Identifiers: ClinVar variation 127555 (VCV000127555.32), dbSNP rs147737737, ClinGen allele CA008202.

ClinVar aggregate classification (germline): Conflicting classifications of pathogenicity. Review status: criteria provided, conflicting classifications (1 of 4 stars). 9 submissions from 9 submitters: Uncertain significance (6); Benign (1); Likely benign (2). Last evaluated 2026-01-13.

Conditions:
Hereditary nonpolyposis colorectal neoplasms. Identifiers: MedGen C0009405, MeSH D003123.
Hereditary cancer-predisposing syndrome. Also called: Hereditary Cancer Syndrome; Hereditary neoplastic syndrome; Tumor predisposition; Neoplastic Syndromes, Hereditary. Identifiers: Orphanet 140162, MedGen C0027672, MeSH D009386, MONDO:0015356.
Lynch syndrome. Identifiers: Orphanet 144, MedGen C4552100, MONDO:0005835. Disease mechanism: loss of function.

Allele frequency attached by ClinVar (database versions not stated): TOPMed below 0.00001; ExAC 0.00001; gnomAD exomes 0.00001; ESP Exome Variant Server 0.00008.
gnomAD v4.1: 11 of 1,613,720 alleles (0.00068%); highest among the groups gnomAD compares: African/African-American, 0.0027%; no homozygotes.

Submissions (9):

Labcorp Genetics (formerly Invitae), Labcorp
Classification: Benign for Hereditary nonpolyposis colorectal neoplasms. Last evaluated: 2026-01-13. Review status: criteria provided, single submitter. Criteria: Invitae Variant Classification Sherloc (09022015). Collection method: clinical testing. Allele origin: germline.

Center for Genomic Medicine, Rigshospitalet, Copenhagen University Hospital
Classification: Uncertain significance. Last evaluated: 2025-03-04. Review status: criteria provided, single submitter. Criteria: ACMG Guidelines, 2015. Collection method: clinical testing. Allele origin: germline.

Quest Diagnostics Nichols Institute San Juan Capistrano
Classification: Uncertain significance. Last evaluated: 2024-05-13. Review status: criteria provided, single submitter. Criteria: Quest Diagnostics criteria. Collection method: clinical testing. Allele origin: unknown.
Comment: The MSH6 c.1168G>A (p.Asp390Asn) variant has been reported in the published literature in an individual with colon cancer (PMID: 31350202 (2019)), as well as reported as a somatic variant in colorectal (PMID: 29887214 (2018)), endometrioid (PMID: 25224212 (2015)), and penile carcinoma (PMID: 26670666 (2016)) tumors. In a large-scale breast cancer association study, the variant was identified in an individual with breast cancer as well as in a reportedly healthy individual (PMID: 33471991 (2021), see also LOVD). The frequency of this variant in the general population, 0.000008 (2/250992 chromosomes (Genome Aggregation Database)), is uninformative in the assessment of its pathogenicity. Analysis of this variant using bioinformatics tools for the prediction of the effect of amino acid changes on protein structure and function yielded predictions that this variant is benign. Based on the available information, we are unable to determine the clinical significance of this variant.

All of Us Research Program, National Institutes of Health
Classification: Uncertain significance for Lynch syndrome. Last evaluated: 2024-01-11. Review status: criteria provided, single submitter. Criteria: ACMG Guidelines, 2015. Collection method: clinical testing. Allele origin: germline. Inheritance: Autosomal dominant inheritance. Observed: 3 variant alleles, 3 heterozygotes.
Comment: This missense variant replaces aspartic acid with asparagine at codon 390 of the MSH6 protein. Computational prediction suggests that this variant may not impact protein structure and function (internally defined REVEL score threshold <= 0.5, PMID: 27666373). To our knowledge, functional studies have not been reported for this variant. In a large breast cancer case-control study, this variant was reported in 1/60466 cases and 3/53461 unaffected controls (PMID: 33471991). This variant has also been reported in an individual affected with penis squamous cell carcinoma (PMID: 26670666) This variant has been identified in 2/250992 chromosomes in the general population by the Genome Aggregation Database (gnomAD). The available evidence is insufficient to determine the role of this variant in disease conclusively. Therefore, this variant is classified as a Variant of Uncertain Significance.

This study involves interpretation of variants in research participants for the purpose of population health screening. Participant phenotype was not available at the time of variant classification. Additional details can be found in publication PMID: 35346344, PMCID: PMC8962531

Color Diagnostics, LLC DBA Color Health
Classification: Uncertain significance for Hereditary cancer-predisposing syndrome. Last evaluated: 2023-11-16. Review status: criteria provided, single submitter. Criteria: ACMG Guidelines, 2015. Collection method: clinical testing. Allele origin: germline.
Comment: This missense variant replaces aspartic acid with asparagine at codon 390 of the MSH6 protein. Computational prediction suggests that this variant may not impact protein structure and function (internally defined REVEL score threshold <= 0.5, PMID: 27666373). To our knowledge, functional studies have not been reported for this variant. In a large breast cancer case-control study, this variant was reported in 1/60466 cases and 3/53461 unaffected controls (PMID: 33471991). This variant has also been reported in an individual affected with penis squamous cell carcinoma (PMID: 26670666) This variant has been identified in 2/250992 chromosomes in the general population by the Genome Aggregation Database (gnomAD). The available evidence is insufficient to determine the role of this variant in disease conclusively. Therefore, this variant is classified as a Variant of Uncertain Significance.

Sema4
Classification: Uncertain significance for Hereditary cancer-predisposing syndrome. Last evaluated: 2022-03-13. Review status: criteria provided, single submitter. Criteria: Sema4 Curation Guidelines. Collection method: curation. Allele origin: germline.
Comment: The MSH6 c.1168G>A (p.D390N) variant has not been reported in the individuals with MSH6-related disease. It has been reported in a large case-control study of breast cancer in 1/60466 cases and in 3/53461 controls (PMID: 33471991). It was observed in 1/16224 chromosomes in the African/African American population according to the Genome Aggregation Database (PMID: 32461654). This variant has been reported in ClinVar (Variation ID: 127555). Functional studies have not been performed, and in silico predictions of the variant's effect on protein function are inconclusive. The evidence is insufficient to meet ACMG/AMP criteria for classifying the variant as benign or pathogenic. Thus, the clinical significance of this variant is currently uncertain.

GeneDx
Classification: Uncertain significance. Last evaluated: 2020-05-14. Review status: criteria provided, single submitter. Criteria: GeneDx Variant Classification Process June 2021. Collection method: clinical testing. Allele origin: germline. Affected: yes.
Comment: Not observed at a significant frequency in large population cohorts (Lek et al., 2016); In silico analysis supports that this missense variant has a deleterious effect on protein structure/function; This variant is associated with the following publications: (PMID: 25224212, 26670666, 23621914)

Ambry Genetics
Classification: Likely benign for Hereditary cancer-predisposing syndrome. Last evaluated: 2018-11-28. Review status: criteria provided, single submitter. Criteria: Ambry Variant Classification Scheme 2023. Collection method: clinical testing. Allele origin: germline.

University of Washington Department of Laboratory Medicine, University of Washington
Classification: Likely benign for Lynch syndrome. Last evaluated: 2018-05-01. Review status: criteria provided, single submitter. Criteria: Shirts BH et al. (Am J Hum Genet 2018). Collection method: clinical testing. Allele origin: somatic. Affected: yes.
Comment: MSH6 NM_000179.2:c.1168G>A has a 1.8% probability of pathogenicity based on combining prior probability from public data with a likelihood ratio of 0.16 to 1, generated from evidence of seeing this as a somatic mutation in a tumor with loss of heterozygosity at the MSH6 locus. See Shirts et al 2018, PMID 29887214.

Literature cited by the submitters: PubMed 33471991 (cited by 4 submitters); PubMed 25224212 (cited by Quest Diagnostics Nichols Institute San Juan Capistrano); PubMed 23621914 (cited by Quest Diagnostics Nichols Institute San Juan Capistrano); PubMed 31350202 (cited by Quest Diagnostics Nichols Institute San Juan Capistrano); PubMed 29887214 (cited by Quest Diagnostics Nichols Institute San Juan Capistrano); PubMed 26670666 (cited by 3 submitters); PubMed 17531815 (cited by Ambry Genetics).